The following is an entry in ClinVar:

ClinVar aggregate classification (germline): Likely benign (1 of 4 stars; one submission).

Allele frequency attached by ClinVar (database versions not stated): TOPMed below 0.00001; gnomAD 0.00001; gnomAD exomes 0.00001 and 0.00003.
gnomAD v4.1: 16 of 1,529,780 alleles (0.001%); highest among the groups gnomAD compares: South Asian, 0.0096%; no homozygotes.

Submission:

GeneDx
Classification: Likely benign. Last evaluated: 2020-12-21. Review status: criteria provided, single submitter. Criteria: GeneDx Variant Classification Process June 2021. Collection method: clinical testing. Allele origin: germline. Affected: yes.
Comment: Has not been previously published as pathogenic or benign to our knowledge; In-silico analysis, which includes splice predictors and evolutionary conservation, is inconclusive as to whether the variant alters gene splicing. In the absence of RNA/functional studies, the actual effect of this sequence change is unknown.

NM_001303052.2(MYT1L):c.2775-9C>G

Gene: MYT1L (myelin transcription factor 1 like; minus strand). Cytogenetic location: 2p25.3.
Variant type: single nucleotide variant.
Coding change: c.2775-9C>G on transcript NM_001303052.2 (MANE Select); 9 bases into the intron before coding-DNA position 2775, C replaced by G.
Molecular consequence: intron variant.
Genome position (GRCh38, 1-based): chr2:1,840,852, G>C on the plus strand (C>G on the coding strand, the complement: MYT1L is on the minus strand). VCF-style: chr2-1840852-G-C. GRCh37 (hg19) VCF-style: chr2-1844624-G-C.
Other names: c.2769-9C>G (NM_015025.4, NM_001329847.2, NM_001329848.1 and 3 more transcripts); c.2775-9C>G (NM_001329844.2, NM_001329845.1, NM_001329851.3).
Identifiers: ClinVar variation 1188740 (VCV001188740.2), dbSNP rs1160496313, ClinGen allele CA530411782.
Genomic context (GRCh38, chr2:1,840,852, plus strand): 5'-GCTCTGTGCTATCCTGATACCACTTTTCTTTGCTCTTGGGCAACCTGAAAGGCTAAATAA[G>C]AAACACATTTCAGAAAGCACCCCACACCGTTGATTTCAGTGAGCTTTCTTTCTTTTTTTT-3'